The following is an entry in ClinVar:

ClinVar aggregate classification (germline): Uncertain significance. Review status: criteria provided, multiple submitters, no conflicts (2 of 4 stars). 2 submissions from 2 submitters: Uncertain significance (2). Last evaluated 2024-12-02.

Conditions:
Retinitis pigmentosa 71 (RP71). Identifiers: Orphanet 791, MedGen C4225342, MONDO:0014618, OMIM 616394.
Short-rib thoracic dysplasia 10 with or without polydactyly (SRTD10). Identifiers: Orphanet 474, MedGen C3810175, MONDO:0014284, OMIM 615630.

Allele frequency attached by ClinVar (database versions not stated): TOPMed 0.00003; gnomAD exomes below 0.00001; ExAC 0.00001; gnomAD 0.00002.
gnomAD v4.1: 6 of 1,613,204 alleles (0.00037%); highest among the groups gnomAD compares: African/African-American, 0.0067%; no homozygotes.

Submissions (2):

Labcorp Genetics (formerly Invitae), Labcorp
Classification: Uncertain significance for Retinitis pigmentosa 71; Short-rib thoracic dysplasia 10 with or without polydactyly. Last evaluated: 2024-12-02. Review status: criteria provided, single submitter. Criteria: Invitae Variant Classification Sherloc (09022015). Collection method: clinical testing. Allele origin: germline.
Comment: This sequence change replaces alanine, which is neutral and non-polar, with serine, which is neutral and polar, at codon 1677 of the IFT172 protein (p.Ala1677Ser). This variant is not present in population databases (gnomAD no frequency). This variant has not been reported in the literature in individuals affected with IFT172-related conditions. ClinVar contains an entry for this variant (Variation ID: 1003778). Invitae Evidence Modeling of protein sequence and biophysical properties (such as structural, functional, and spatial information, amino acid conservation, physicochemical variation, residue mobility, and thermodynamic stability) indicates that this missense variant is not expected to disrupt IFT172 protein function with a negative predictive value of 95%. In summary, the available evidence is currently insufficient to determine the role of this variant in disease. Therefore, it has been classified as a Variant of Uncertain Significance.

Blueprint Genetics
Classification: Uncertain significance. Last evaluated: 2020-12-03. Review status: criteria provided, single submitter. Criteria: ACMG Guidelines, 2015. Collection method: clinical testing. Allele origin: germline.

NM_015662.3(IFT172):c.5029G>T (p.Ala1677Ser)

Genes: IFT172 (intraflagellar transport 172; minus strand), KRTCAP3 (keratinocyte associated protein 3; plus strand). Cytogenetic location: 2p23.3.
Variant type: single nucleotide variant.
Coding change: c.5029G>T on transcript NM_015662.3 (MANE Select); coding-DNA position 5029, G replaced by T.
Protein change: p.Ala1677Ser; replaces alanine 1677 with serine.
Molecular consequence: missense variant. On other transcripts: intron variant (1).
Genome position (GRCh38, 1-based): chr2:27,445,335, C>A on the plus strand (G>T on the coding strand, the complement: IFT172 is on the minus strand). VCF-style: chr2-27445335-C-A. GRCh37 (hg19) VCF-style: chr2-27668202-C-A.
Other names: c.4963G>T, p.Ala1655Ser (NM_001410739.1); c.*6-966C>A (NM_001168364.2); short protein forms A1677S, A1655S.
Identifiers: ClinVar variation 1003778 (VCV001003778.10), dbSNP rs766918099, ClinGen allele CA1579385.
Genomic context (GRCh38, chr2:27,445,335, plus strand): 5'-GGGTGCTGTAGGCTTCTATACCTGTAATAAGGCAGGGCAGGGCTCGAACACCAGTGCTCG[C>A]TGCCACTAGGGAGGCCTCGTAGGCGCCACGCTCATCCCGAGGCAGAACCTGCTCCAGCCG-3'
Protein context (NP_056477.1, residues 1667-1687): RGAYEASLVA[Ala1677Ser]STGVRALPCL